The following is an entry in ClinVar:

ClinVar aggregate classification (germline): Benign. Review status: criteria provided, multiple submitters, no conflicts (2 of 4 stars). 2 submissions from 2 submitters: Benign (2). Last evaluated 2018-01-12.

Conditions:
Immunodeficiency due to CD25 deficiency. Also called: IMMUNODEFICIENCY 41 WITH LYMPHOPROLIFERATION AND AUTOIMMUNITY; CD25 DEFICIENCY; IL2RA DEFICIENCY. Identifiers: Orphanet 169100, MedGen C1853392, MONDO:0011664, OMIM 606367.

Allele frequency attached by ClinVar (database versions not stated): 1000 Genomes Project 0.01777; gnomAD 0.01782 and 0.01848; 1000 Genomes Project 30x 0.01796; TOPMed 0.01953; ESP Exome Variant Server 0.02081; gnomAD exomes 0.02122.

Submissions (2):

Illumina Laboratory Services, Illumina
Classification: Benign for Immunodeficiency due to CD25 deficiency. Last evaluated: 2018-01-12. Review status: criteria provided, single submitter. Criteria: ICSL Variant Classification Criteria 13 December 2019. Collection method: clinical testing. Allele origin: germline.
Comment: This variant was observed in the ICSL laboratory as part of a predisposition screen in an ostensibly healthy population. It had not been previously curated by ICSL or reported in the Human Gene Mutation Database (HGMD: prior to June 1st, 2018), and was therefore a candidate for classification through an automated scoring system. Utilizing variant allele frequency, disease prevalence and penetrance estimates, and inheritance mode, an automated score was calculated to assess if this variant is too frequent to cause the disease. Based on the score and internal cut-off values, a variant classified as benign is not then subjected to further curation. The score for this variant resulted in a classification of benign for this disease.

Breakthrough Genomics
Classification: Benign. Review status: criteria provided, single submitter. Criteria: ACMG Guidelines, 2015. Collection method: not provided. Allele origin: germline. Inheritance: Autosomal recessive inheritance. Affected: yes.

NM_000417.3(IL2RA):c.*70G>A

Gene: IL2RA (interleukin 2 receptor subunit alpha; minus strand). Cytogenetic location: 10p15.1.
Variant type: single nucleotide variant.
Coding change: c.*70G>A on transcript NM_000417.3 (MANE Select); 70 bases downstream of the stop codon, G replaced by A.
Molecular consequence: 3 prime UTR variant.
Genome position (GRCh38, 1-based): chr10:6,012,802, C>T on the plus strand (G>A on the coding strand, the complement: IL2RA is on the minus strand). VCF-style: chr10-6012802-C-T. GRCh37 (hg19) VCF-style: chr10-6054765-C-T.
Other names: c.*70G>A (NM_001308242.2, NM_001308243.2).
Identifiers: ClinVar variation 300248 (VCV000300248.6), dbSNP rs12722600, ClinGen allele CA10631875.
Genomic context (GRCh38, chr10:6,012,802, plus strand): 5'-TCCAAAACGCAGGCAAGCACAACGGATGTCTCCTGGGCGACCATTTAGCACCTTTGATTT[C>T]ACTTGGGCTTCATGACTTCTGTTGTCTGTTCCCGGCTTCTTACCAAGAAATTCTTGTTCT-3'